The following is an entry in ClinVar:

ClinVar aggregate classification (germline): Uncertain significance (1 of 4 stars; one submission).

Conditions:
Lymphoproliferative syndrome 2 (LPFS2). Also called: Combined immunodeficiency due to CD27 deficiency; CD27 DEFICIENCY. Identifiers: Orphanet 238505, MedGen C3554540, MONDO:0014054, OMIM 615122.

Allele frequency attached by ClinVar (database versions not stated): gnomAD 0.00001; TOPMed 0.00001.
gnomAD v4.1: 1 of 1,612,940 alleles (0.000062%); highest among the groups gnomAD compares: East Asian, 0.0022%; no homozygotes.

Submission:

Labcorp Genetics (formerly Invitae), Labcorp
Classification: Uncertain significance for Lymphoproliferative syndrome 2. Last evaluated: 2024-08-05. Review status: criteria provided, single submitter. Criteria: Invitae Variant Classification Sherloc (09022015). Collection method: clinical testing. Allele origin: germline.
Comment: This sequence change replaces leucine, which is neutral and non-polar, with valine, which is neutral and non-polar, at codon 169 of the CD27 protein (p.Leu169Val). This variant is not present in population databases (gnomAD no frequency). This variant has not been reported in the literature in individuals affected with CD27-related conditions. Advanced modeling of protein sequence and biophysical properties (such as structural, functional, and spatial information, amino acid conservation, physicochemical variation, residue mobility, and thermodynamic stability) performed at Invitae indicates that this missense variant is not expected to disrupt CD27 protein function with a negative predictive value of 80%. In summary, the available evidence is currently insufficient to determine the role of this variant in disease. Therefore, it has been classified as a Variant of Uncertain Significance.

NM_001242.5(CD27):c.505C>G (p.Leu169Val)

Genes: CD27 (CD27 molecule; plus strand), CD27-AS1 (CD27 antisense RNA 1; minus strand). Cytogenetic location: 12p13.31.
Variant type: single nucleotide variant.
Coding change: c.505C>G on transcript NM_001242.5 (MANE Select); coding-DNA position 505, C replaced by G.
Protein change: p.Leu169Val; replaces leucine 169 with valine.
Molecular consequence: missense variant. On other transcripts: non-coding transcript variant (5).
Genome position (GRCh38, 1-based): chr12:6,450,597, C>G. VCF-style: chr12-6450597-C-G. GRCh37 (hg19) VCF-style: chr12-6559763-C-G.
Other names: c.55C>G, p.Leu19Val (NM_001413266.1, NM_001413267.1, NM_001413268.1); c.598C>G, p.Leu200Val (NM_001413263.1); c.478C>G, p.Leu160Val (NM_001413264.1); c.325C>G, p.Leu109Val (NM_001413265.1); short protein forms L160V, L109V, L169V, L19V, L200V.
Identifiers: ClinVar variation 2857732 (VCV002857732.3), dbSNP rs1353686884, ClinGen allele CA383550663.